The following is an entry in ClinVar:

NM_001384474.1(LOXHD1):c.2346del (p.Ala785fs)

Gene: LOXHD1 (lipoxygenase homology PLAT domains 1; minus strand). Cytogenetic location: 18q21.1.
Variant type: Deletion.
Coding change: c.2346del on transcript NM_001384474.1 (MANE Select); coding-DNA position 2346, one base deleted (C; older notation c.2346delC).
Protein change: p.Ala785fs; shifts the reading frame from alanine 785.
Molecular consequence: frameshift variant.
Genome position (GRCh38, 1-based): chr18:46,566,348, G deleted on the plus strand (C on the coding strand, the reverse complement: LOXHD1 is on the minus strand); the first of 2 consecutive G bases (chr18:46,566,348-46,566,349); deleting either gives the same sequence. VCF-style (leftmost placement, unchanged base first): chr18-46566347-AG-A. GRCh37 (hg19) VCF-style: chr18-44146310-AG-A.
Other names: c.2346del, p.Ala785fs (NM_144612.7); short protein forms A785fs.
Identifiers: ClinVar variation 4816818 (VCV004816818.1).
Genomic context (GRCh38, chr18:46,566,347, plus strand): 5'-ACAGCTCCACCTCCAGGCGCCCGTCAGCCTGGTTCTTGTCCAGCCAGCGGTTGGCGGGAA[AG>A]GTGTACTGCTTGCCTTGACGGGGCACACGGATCTGAACGCTGCCCAGGAACCAGCTGGCA-3'

ClinVar aggregate classification (germline): Likely pathogenic (1 of 4 stars; one submission).

Conditions:
Autosomal recessive nonsyndromic hearing loss 77. Identifiers: Orphanet 90636, MedGen C2746083, MONDO:0013119, OMIM 613079.

Submission:

Natera, Inc.
Classification: Likely pathogenic for Autosomal recessive deafness type 77. Last evaluated: 2025-09-26. Review status: criteria provided, single submitter. Criteria: Natera Variant Classification Schema (03/2026). Collection method: clinical testing. Allele origin: germline.
Comment: The c.2346del variant in LOXHD1 is a frameshift variant predicted to shift the reading frame beginning at codon 785 and leads to a stop codon 148 codons downstream. This variant is expected to result in nonsense mediated decay, truncation, or a dysfunctional protein product. This variant is rare in the general population with a frequency below the threshold expected for the associated phenotype(s). Given the available evidence, this variant is classified as Likely Pathogenic.